The following is an entry in ClinVar:

ClinVar aggregate classification (germline): Likely benign. Review status: criteria provided, multiple submitters, no conflicts (2 of 4 stars). 3 submissions from 3 submitters: Likely benign (3). Last evaluated 2026-04-01.

Conditions:
Inborn genetic diseases. Identifiers: MedGen C0950123, MeSH D030342.

Allele frequency attached by ClinVar (database versions not stated): ExAC 0.00007; gnomAD exomes 0.00007 and 0.00018; gnomAD 0.00012 and 0.00013; ESP Exome Variant Server 0.00015; TOPMed 0.00015.
gnomAD v4.1: 291 of 1,613,340 alleles (0.018%); highest among the groups gnomAD compares: Non-Finnish European, 0.021%; no homozygotes.

Submissions (3):

CeGaT Center for Human Genetics Tuebingen
Classification: Likely benign. Last evaluated: 2026-04-01. Review status: criteria provided, single submitter. Criteria: CeGaT Center For Human Genetics Tuebingen Variant Classification Criteria Version 2. Collection method: clinical testing. Allele origin: germline. Affected: yes. Observed: 1 variant allele.
Comment: HDAC4: BS2

Ambry Genetics
Classification: Likely benign for Inborn genetic diseases. Last evaluated: 2025-08-09. Review status: criteria provided, single submitter. Criteria: Ambry Variant Classification Scheme 2023. Collection method: clinical testing. Allele origin: germline.

Labcorp Genetics (formerly Invitae), Labcorp
Classification: Likely benign. Last evaluated: 2019-12-07. Review status: criteria provided, single submitter. Criteria: Invitae Variant Classification Sherloc (09022015). Collection method: clinical testing. Allele origin: germline.

NM_001378414.1(HDAC4):c.395G>A (p.Arg132Gln)

Gene: HDAC4 (histone deacetylase 4; minus strand). Cytogenetic location: 2q37.3.
Variant type: single nucleotide variant.
Coding change: c.395G>A on transcript NM_001378414.1 (MANE Select); coding-DNA position 395, G replaced by A.
Protein change: p.Arg132Gln; replaces arginine 132 with glutamine.
Molecular consequence: missense variant.
Genome position (GRCh38, 1-based): chr2:239,176,508, C>T on the plus strand (G>A on the coding strand, the complement: HDAC4 is on the minus strand). VCF-style: chr2-239176508-C-T. GRCh37 (hg19) VCF-style: chr2-240098204-C-T.
Other names: c.395G>A, p.Arg132Gln (NM_001378415.1, NM_001378416.1, NM_001378417.1 and 1 more transcripts); c.395G>A (NM_006037.3); short protein forms R132Q.
Identifiers: ClinVar variation 1129812 (VCV001129812.17), dbSNP rs369938777, ClinGen allele CA2200276.